The following is an entry in ClinVar:

ClinVar aggregate classification (germline): Uncertain significance (1 of 4 stars; one submission).

gnomAD v4.1: 2 of 1,614,040 alleles (0.00012%); highest among the groups gnomAD compares: Admixed American, 0.0017%; no homozygotes.

Submission:

Women's Health and Genetics/Laboratory Corporation of America, LabCorp
Classification: Uncertain significance. Last evaluated: 2025-06-04. Review status: criteria provided, single submitter. Criteria: LabCorp Variant Classification Summary - May 2015. Collection method: clinical testing. Allele origin: germline.
Comment: Variant summary: CDON c.1158T>G (p.Ile386Met) results in a conservative amino acid change in the encoded protein sequence. Algorithms developed to predict the effect of missense changes on protein structure and function all suggest that this variant is likely to be tolerated. The variant allele was found at a frequency of 4e-06 in 251364 control chromosomes. The available data on variant occurrences in the general population are insufficient to allow any conclusion about variant significance. To our knowledge, no occurrence of c.1158T>G in individuals affected with Holoprosencephaly 11 and no experimental evidence demonstrating its impact on protein function have been reported. No submitters have cited clinical-significance assessments for this variant to ClinVar. Based on the evidence outlined above, the variant was classified as uncertain significance.

NM_001378964.1(CDON):c.1158T>G (p.Ile386Met)

Gene: CDON (cell adhesion associated, oncogene regulated; minus strand). Cytogenetic location: 11q24.2.
Variant type: single nucleotide variant.
Coding change: c.1158T>G on transcript NM_001378964.1 (MANE Select); coding-DNA position 1158, T replaced by G.
Protein change: p.Ile386Met; replaces isoleucine 386 with methionine.
Molecular consequence: missense variant.
Genome position (GRCh38, 1-based): chr11:126,015,281, A>C on the plus strand (T>G on the coding strand, the complement: CDON is on the minus strand). VCF-style: chr11-126015281-A-C. GRCh37 (hg19) VCF-style: chr11-125885176-A-C.
Other names: c.1158T>G, p.Ile386Met (NM_001243597.3, NM_016952.6); short protein forms I386M.
Identifiers: ClinVar variation 3907405 (VCV003907405.1).
Genomic context (GRCh38, chr11:126,015,281, plus strand): 5'-GGCACGACCTAAAAGCCTACCATTTTCAATTTCAAGTCTTCCAGTAGAGTGCATAAATCC[A>C]ATCCCATTATCTGCTACACACTGATACATCCCAACATCTTCCACAGTAACCCCACTGATT-3'
Protein context (NP_001365893.1, residues 376-396): GMYQCVADNG[Ile386Met]GFMHSTGRLE